The following is an entry in ClinVar:

ClinVar aggregate classification (germline): Uncertain significance. Review status: criteria provided, multiple submitters, no conflicts (2 of 4 stars). 2 submissions from 2 submitters: Uncertain significance (2). Last evaluated 2025-08-27.

Conditions:
Hereditary cancer-predisposing syndrome. Also called: Tumor predisposition; Hereditary neoplastic syndrome; Hereditary Cancer Syndrome; Neoplastic Syndromes, Hereditary. Identifiers: Orphanet 140162, MedGen C0027672, MeSH D009386, MONDO:0015356.
Familial adenomatous polyposis 2. Also called: COLORECTAL ADENOMATOUS POLYPOSIS, AUTOSOMAL RECESSIVE; ADENOMAS, MULTIPLE COLORECTAL, AUTOSOMAL RECESSIVE; MUTYH-related attenuated familial adenomatous polyposis; MUTYH-associated polyposis; MYH-associated polyposis; MUTYH Polyposis. Identifiers: Orphanet 220460, Orphanet 247798, MedGen C3272841, MONDO:0012041, OMIM 608456.

Submissions (2):

Ambry Genetics
Classification: Uncertain significance for Hereditary cancer-predisposing syndrome. Last evaluated: 2025-08-27. Review status: criteria provided, single submitter. Criteria: Ambry Variant Classification Scheme 2023. Collection method: clinical testing. Allele origin: germline.
Comment: The p.S326I variant (also known as c.977G>T), located in coding exon 11 of the MUTYH gene, results from a G to T substitution at nucleotide position 977. The serine at codon 326 is replaced by isoleucine, an amino acid with dissimilar properties. This amino acid position is conserved. In addition, this alteration is predicted to be tolerated by in silico analysis. Based on the available evidence, the clinical significance of this variant remains unclear.

Labcorp Genetics (formerly Invitae), Labcorp
Classification: Uncertain significance for Familial adenomatous polyposis 2. Last evaluated: 2023-02-16. Review status: criteria provided, single submitter. Criteria: Invitae Variant Classification Sherloc (09022015). Collection method: clinical testing. Allele origin: germline.
Comment: Algorithms developed to predict the effect of missense changes on protein structure and function output the following: SIFT: "Not Available"; PolyPhen-2: "Benign"; Align-GVGD: "Not Available". The isoleucine amino acid residue is found in multiple mammalian species, which suggests that this missense change does not adversely affect protein function. This sequence change replaces serine, which is neutral and polar, with isoleucine, which is neutral and non-polar, at codon 326 of the MUTYH protein (p.Ser326Ile). This variant is not present in population databases (gnomAD no frequency). This variant has not been reported in the literature in individuals affected with MUTYH-related conditions. In summary, the available evidence is currently insufficient to determine the role of this variant in disease. Therefore, it has been classified as a Variant of Uncertain Significance.

NM_001048174.2(MUTYH):c.893G>T (p.Ser298Ile)

Gene: MUTYH (mutY DNA glycosylase; minus strand). Cytogenetic location: 1p34.1.
Variant type: single nucleotide variant.
Coding change: c.893G>T on transcript NM_001048174.2 (MANE Select); coding-DNA position 893, G replaced by T.
Protein change: p.Ser298Ile; replaces serine 298 with isoleucine.
Molecular consequence: missense variant. On other transcripts: non-coding transcript variant (7).
Genome position (GRCh38, 1-based): chr1:45,332,043, C>A on the plus strand (G>T on the coding strand, the complement: MUTYH is on the minus strand). VCF-style: chr1-45332043-C-A. GRCh37 (hg19) VCF-style: chr1-45797715-C-A.
Other names: c.893G>T, p.Ser298Ile (NM_001048171.2, NM_001048173.2, NM_001293195.2 and 6 more transcripts); c.896G>T, p.Ser299Ile (NM_001048172.2, NM_001407086.1, NM_001407071.1 and 1 more transcripts); c.977G>T, p.Ser326Ile (NM_001128425.2); c.938G>T, p.Ser313Ile (NM_001293190.2); c.926G>T, p.Ser309Ile (NM_001293191.2, NM_001407069.1, NM_001407077.1); c.617G>T, p.Ser206Ile (NM_001293192.2, NM_001293196.2, NM_001407091.1); c.548G>T, p.Ser183Ile (NM_001350650.2, NM_001350651.2, NM_001407082.1); c.935G>T, p.Ser312Ile (NM_001407083.1, NM_001407085.1); and 5 more; short protein forms S299I, S326I, S183I, S284I, S305I, S309I, S206I, S285I.
Identifiers: ClinVar variation 2838064 (VCV002838064.4), dbSNP rs2524049529, ClinGen allele CA340134080.
Genomic context (GRCh38, chr1:45,332,043, plus strand): 5'-GCCAGGAAGGGTTGGGGTGGGGGCTAGGTTTGGTGCTCACCACACTCCTCCACGTCAGGA[C>A]TGCCCGACAGGCTCCCTGAGGCTAAGAGCTGTTCCTGCTCCACCTGAGAGGCACAGGGTT-3'
Protein context (NP_001041639.1, residues 288-308): QLLASGSLSG[Ser298Ile]PDVEECAPNT